The following is an entry in ClinVar:

ClinVar aggregate classification (germline): Uncertain significance (1 of 4 stars; one submission).

Conditions:
Propionic acidemia (PROP). Also called: GLYCINEMIA, KETOTIC; HYPERGLYCINEMIA WITH KETOACIDOSIS AND LEUKOPENIA; KETOTIC HYPERGLYCINEMIA. Identifiers: Orphanet 35, MedGen C0268579, MONDO:0011628, OMIM 606054, HP:0003571.

Submission:

Labcorp Genetics (formerly Invitae), Labcorp
Classification: Uncertain significance for Propionic acidemia. Last evaluated: 2021-09-24. Review status: criteria provided, single submitter. Criteria: Invitae Variant Classification Sherloc (09022015). Collection method: clinical testing. Allele origin: germline.
Comment: This sequence change replaces phenylalanine with valine at codon 512 of the PCCA protein (p.Phe512Val). The phenylalanine residue is highly conserved and there is a small physicochemical difference between phenylalanine and valine. This variant is not present in population databases (ExAC no frequency). This variant has not been reported in the literature in individuals with PCCA-related conditions. Advanced modeling of protein sequence and biophysical properties (such as structural, functional, and spatial information, amino acid conservation, physicochemical variation, residue mobility, and thermodynamic stability) performed at Invitae indicates that this missense variant is expected to disrupt PCCA protein function. In summary, the available evidence is currently insufficient to determine the role of this variant in disease. Therefore, it has been classified as a Variant of Uncertain Significance.

NM_000282.4(PCCA):c.1534T>G (p.Phe512Val)

Gene: PCCA (propionyl-CoA carboxylase subunit alpha; plus strand). Cytogenetic location: 13q32.3.
Variant type: single nucleotide variant.
Coding change: c.1534T>G on transcript NM_000282.4 (MANE Select); coding-DNA position 1534, T replaced by G.
Protein change: p.Phe512Val; replaces phenylalanine 512 with valine.
Molecular consequence: missense variant. On other transcripts: non-coding transcript variant (5).
Genome position (GRCh38, 1-based): chr13:100,330,665, T>G. VCF-style: chr13-100330665-T-G. GRCh37 (hg19) VCF-style: chr13-100982919-T-G.
Other names: c.1456T>G, p.Phe486Val (NM_001127692.3, NM_001352607.2); c.1534T>G, p.Phe512Val (NM_001178004.2, NM_001352605.2, NM_001352609.2); c.1390T>G, p.Phe464Val (NM_001352606.2); c.1312T>G, p.Phe438Val (NM_001352608.2); c.589T>G, p.Phe197Val (NM_001352610.2, NM_001352611.2); c.445T>G, p.Phe149Val (NM_001352612.2); short protein forms F149V, F438V, F464V, F197V, F486V, F512V.
Identifiers: ClinVar variation 1516560 (VCV001516560.5), dbSNP rs779659813, ClinGen allele CA255990442.